The following is an entry in ClinVar:

ClinVar aggregate classification (germline): Uncertain significance (1 of 4 stars; one submission).

gnomAD v4.1: 1 of 1,614,100 alleles (0.000062%); highest among the groups gnomAD compares: Non-Finnish European, 0.000085%; no homozygotes.

Submission:

Labcorp Genetics (formerly Invitae), Labcorp
Classification: Uncertain significance. Last evaluated: 2024-09-14. Review status: criteria provided, single submitter. Criteria: Invitae Variant Classification Sherloc (09022015). Collection method: clinical testing. Allele origin: germline.
Comment: This sequence change replaces glycine, which is neutral and non-polar, with serine, which is neutral and polar, at codon 511 of the RFWD3 protein (p.Gly511Ser). This variant is not present in population databases (gnomAD no frequency). This variant has not been reported in the literature in individuals affected with RFWD3-related conditions. An algorithm developed to predict the effect of missense changes on protein structure and function outputs the following: PolyPhen-2: "Possibly Damaging". The serine amino acid residue is found in multiple mammalian species, which suggests that this missense change does not adversely affect protein function. In summary, the available evidence is currently insufficient to determine the role of this variant in disease. Therefore, it has been classified as a Variant of Uncertain Significance.

NM_018124.4(RFWD3):c.1531G>A (p.Gly511Ser)

Gene: RFWD3 (ring finger and WD repeat domain 3; minus strand). Cytogenetic location: 16q23.1.
Variant type: single nucleotide variant.
Coding change: c.1531G>A on transcript NM_018124.4 (MANE Select); coding-DNA position 1531, G replaced by A.
Protein change: p.Gly511Ser; replaces glycine 511 with serine.
Molecular consequence: missense variant.
Genome position (GRCh38, 1-based): chr16:74,632,569, C>T on the plus strand (G>A on the coding strand, the complement: RFWD3 is on the minus strand). VCF-style: chr16-74632569-C-T. GRCh37 (hg19) VCF-style: chr16-74666467-C-T.
Other names: c.1531G>A, p.Gly511Ser (NM_001370534.1, NM_001370535.1, NM_001370536.1); c.697G>A, p.Gly233Ser (NM_001370537.1, NM_001370539.1, NM_001370540.1 and 2 more transcripts); short protein forms G511S, G233S.
Identifiers: ClinVar variation 3717100 (VCV003717100.2).